The following is an entry in ClinVar:

NM_001283009.2(RTEL1):c.3515_3523del (p.Glu1172_Thr1174del)

Genes: RTEL1 (regulator of telomere elongation helicase 1; plus strand), RTEL1-TNFRSF6B (RTEL1-TNFRSF6B readthrough (NMD candidate); plus strand). Cytogenetic location: 20q13.33.
Variant type: Deletion.
Coding change: c.3515_3523del on transcript NM_001283009.2 (MANE Select); coding-DNA positions 3515 to 3523, 9 bases deleted (AGAAGACCG; older notation c.3515_3523delAGAAGACCG).
Protein change: p.Glu1172_Thr1174del.
Molecular consequence: inframe deletion. On other transcripts: non-coding transcript variant (1).
Genome position (GRCh38, 1-based): chr20:63,695,343-63,695,351, AGAAGACCG deleted; deleting any 9 consecutive bases within chr20:63,695,340-63,695,351 gives the same sequence; the c. name uses the placement nearest the transcript's 3' end. VCF-style (leftmost placement, unchanged base first): chr20-63695339-TCCGAGAAGA-T. GRCh37 (hg19) VCF-style: chr20-62326692-TCCGAGAAGA-T.
Other names: c.3587_3595del9 (NM_032957.4); c.2846_2854del, p.Glu949_Thr951del (NM_001283010.1); c.3515_3523del, p.Glu1172_Thr1174del (NM_016434.4); c.3587_3595del, p.Glu1196_Thr1198del (NM_032957.5).
Identifiers: ClinVar variation 554246 (VCV000554246.4), dbSNP rs1258943409, ClinGen allele CA658824167.
Genomic context (GRCh38, chr20:63,695,339, plus strand): 5'-TGAGCAGCAAAGCCCCAGGCCCCCCTCAGACTCAAGTCTCTGTCTCCAGGCCCCTCACGG[TCCGAGAAGA>T]CCGGGAAGACCCAGAGCAAGATCTCGTCCTTCCTTAGACAGAGGCCAGCAGGGACTGTGG-3'

ClinVar aggregate classification (germline): Uncertain significance. Review status: criteria provided, single submitter (1 of 4 stars). 2 submissions from 2 submitters: Uncertain significance (1). 1 of the submissions does not count toward it. Last evaluated 2024-07-15.

Conditions:
Pulmonary fibrosis and/or bone marrow failure, Telomere-related, 3. Also called: PULMONARY FIBROSIS AND/OR BONE MARROW FAILURE SYNDROME, TELOMERE-RELATED, 3. Identifiers: Orphanet 2032, MedGen C4225346, MONDO:0014613, OMIM 616373.
Dyskeratosis congenita, autosomal recessive 5 (DKCB5). Identifiers: MedGen C3554656, MONDO:0014076, OMIM 615190.

Submissions (2):

Labcorp Genetics (formerly Invitae), Labcorp
Classification: Uncertain significance for Dyskeratosis congenita, autosomal recessive 5; Pulmonary fibrosis and/or bone marrow failure, Telomere-related, 3. Last evaluated: 2024-07-15. Review status: criteria provided, single submitter. Criteria: Invitae Variant Classification Sherloc (09022015). Collection method: clinical testing. Allele origin: germline.
Comment: This variant, c.3515_3523del, results in the deletion of 3 amino acid(s) of the RTEL1 protein (p.Glu1172_Thr1174del), but otherwise preserves the integrity of the reading frame. This variant is not present in population databases (gnomAD no frequency). This variant has not been reported in the literature in individuals affected with RTEL1-related conditions. ClinVar contains an entry for this variant (Variation ID: 554246). Algorithms developed to predict the effect of sequence changes on RNA splicing suggest that this variant may disrupt the consensus splice site. In summary, the available evidence is currently insufficient to determine the role of this variant in disease. Therefore, it has been classified as a Variant of Uncertain Significance.

Counsyl
Classification: Uncertain significance for Dyskeratosis congenita, autosomal recessive 5. Last evaluated: 2017-10-03. Review status: no assertion criteria provided. Collection method: clinical testing. Allele origin: unknown. Not counted in ClinVar's aggregate classification.